The following is an entry in ClinVar:

ClinVar aggregate classification (germline): Uncertain significance (1 of 4 stars; one submission).

Allele frequency attached by ClinVar (database versions not stated): TOPMed 0.00002.
gnomAD v4.1: 5 of 1,609,316 alleles (0.00031%); highest among the groups gnomAD compares: Non-Finnish European, 0.00042%; no homozygotes.

Submission:

Labcorp Genetics (formerly Invitae), Labcorp
Classification: Uncertain significance. Last evaluated: 2024-01-31. Review status: criteria provided, single submitter. Criteria: Invitae Variant Classification Sherloc (09022015). Collection method: clinical testing. Allele origin: germline.
Comment: This sequence change replaces isoleucine, which is neutral and non-polar, with threonine, which is neutral and polar, at codon 186 of the MCM4 protein (p.Ile186Thr). This variant is present in population databases (rs556469233, gnomAD 0.002%). This variant has not been reported in the literature in individuals affected with MCM4-related conditions. An algorithm developed to predict the effect of missense changes on protein structure and function (PolyPhen-2) suggests that this variant¬†is likely to be tolerated. In summary, the available evidence is currently insufficient to determine the role of this variant in disease. Therefore, it has been classified as a Variant of Uncertain Significance.

NM_182746.3(MCM4):c.557T>C (p.Ile186Thr)

Gene: MCM4 (minichromosome maintenance complex component 4; plus strand). Cytogenetic location: 8q11.21.
Variant type: single nucleotide variant.
Coding change: c.557T>C on transcript NM_182746.3 (MANE Select); coding-DNA position 557, T replaced by C.
Protein change: p.Ile186Thr; replaces isoleucine 186 with threonine.
Molecular consequence: missense variant.
Genome position (GRCh38, 1-based): chr8:47,962,819, T>C. VCF-style: chr8-47962819-T-C. GRCh37 (hg19) VCF-style: chr8-48875379-T-C.
Other names: c.557T>C, p.Ile186Thr (NM_005914.4); short protein forms I186T.
Identifiers: ClinVar variation 2984358 (VCV002984358.1), dbSNP rs556469233, ClinGen allele CA176154984.